The following is an entry in ClinVar:

ClinVar aggregate classification (germline): Uncertain significance. Review status: criteria provided, multiple submitters, no conflicts (2 of 4 stars). 2 submissions from 2 submitters: Uncertain significance (2). Last evaluated 2023-10-05.

Conditions:
Congenital contractural arachnodactyly (CCA). Also called: Beals-Hecht syndrome; BEALS SYNDROME; Arthrogryposis, distal, type 9. Identifiers: Orphanet 115, MedGen C0220668, MONDO:0007363, OMIM 121050.

Submissions (2):

Labcorp Genetics (formerly Invitae), Labcorp
Classification: Uncertain significance for Congenital contractural arachnodactyly. Last evaluated: 2023-10-05. Review status: criteria provided, single submitter. Criteria: Invitae Variant Classification Sherloc (09022015). Collection method: clinical testing. Allele origin: germline.
Comment: This sequence change replaces arginine, which is basic and polar, with glycine, which is neutral and non-polar, at codon 943 of the FBN2 protein (p.Arg943Gly). This variant is not present in population databases (gnomAD no frequency). This variant has not been reported in the literature in individuals affected with FBN2-related conditions. ClinVar contains an entry for this variant (Variation ID: 213294). Advanced modeling of protein sequence and biophysical properties (such as structural, functional, and spatial information, amino acid conservation, physicochemical variation, residue mobility, and thermodynamic stability) performed at Invitae indicates that this missense variant is not expected to disrupt FBN2 protein function. In summary, the available evidence is currently insufficient to determine the role of this variant in disease. Therefore, it has been classified as a Variant of Uncertain Significance.

GeneDx
Classification: Uncertain significance. Last evaluated: 2014-08-21. Review status: criteria provided, single submitter. Criteria: GeneDx Variant Classification (06012015). Collection method: clinical testing. Allele origin: germline. Affected: yes.
Comment: p.Arg943Gly (AGA>GGA): c.2827 A>G in exon 22 of the FBN2 gene (NM_001999.3) The R943G variant has not been published as a mutation, nor has it been reported as a benign polymorphism to our knowledge. The R943G variant was not observed in approximately 6,500 individuals of European and African American ancestry in the NHLBI Exome Sequencing Project, indicating it is not a common benign variant in these populations. The R943G variant is a non-conservative amino acid substitution, which is likely to impact secondary protein structure as these residues differ in polarity, charge, size and/or other properties. Additionally, this substitution occurs at a position that is conserved among mammals. However, in silico analysis is inconsistent in its predictions as to whether or not the variant is damaging to the protein structure/function. Furthermore, missense mutations in nearby residues have not been reported, indicating this region of the protein may be tolerant of change. Therefore, based on the currently available information, it is unclear whether this variant is a pathogenic mutation or a rare benign variant. This variant was found in TAAD

NM_001999.4(FBN2):c.2827A>G (p.Arg943Gly)

Gene: FBN2 (fibrillin 2; minus strand). Cytogenetic location: 5q23.3.
Variant type: single nucleotide variant.
Coding change: c.2827A>G on transcript NM_001999.4 (MANE Select); coding-DNA position 2827, A replaced by G.
Protein change: p.Arg943Gly; replaces arginine 943 with glycine.
Molecular consequence: missense variant.
Genome position (GRCh38, 1-based): chr5:128,349,991, T>C on the plus strand (A>G on the coding strand, the complement: FBN2 is on the minus strand). VCF-style: chr5-128349991-T-C. GRCh37 (hg19) VCF-style: chr5-127685683-T-C.
Other names: short protein forms R943G.
Identifiers: ClinVar variation 213294 (VCV000213294.5), dbSNP rs863223560, ClinGen allele CA323736.